The following is an entry in ClinVar:

NM_005263.5(GFI1):c.443G>A (p.Gly148Asp)

Gene: GFI1 (growth factor independent 1 transcriptional repressor; minus strand). Cytogenetic location: 1p22.1.
Variant type: single nucleotide variant.
Coding change: c.443G>A on transcript NM_005263.5 (MANE Select); coding-DNA position 443, G replaced by A.
Protein change: p.Gly148Asp; replaces glycine 148 with aspartic acid.
Molecular consequence: missense variant.
Genome position (GRCh38, 1-based): chr1:92,480,944, C>T on the plus strand (G>A on the coding strand, the complement: GFI1 is on the minus strand). VCF-style: chr1-92480944-C-T. GRCh37 (hg19) VCF-style: chr1-92946501-C-T.
Other names: c.443G>A, p.Gly148Asp (NM_001127215.3, NM_001127216.3); short protein forms G148D.
Identifiers: ClinVar variation 4029398 (VCV004029398.1).

ClinVar aggregate classification (germline): Uncertain significance (1 of 4 stars; one submission).

Submission:

Ambry Genetics
Classification: Uncertain significance. Last evaluated: 2025-04-17. Review status: criteria provided, single submitter. Criteria: Ambry Variant Classification Scheme 2023. Collection method: clinical testing. Allele origin: germline.
Comment: The p.G148D variant (also known as c.443G>A), located in coding exon 3 of the GFI1 gene, results from a G to A substitution at nucleotide position 443. The glycine at codon 148 is replaced by aspartic acid, an amino acid with similar properties. This amino acid position is conserved. In addition, this alteration is predicted to be tolerated by in silico analysis. Based on the available evidence, the clinical significance of this variant remains unclear.